The following is an entry in ClinVar:

NM_002857.4(PEX19):c.346+14A>G

Gene: PEX19 (peroxisomal biogenesis factor 19; minus strand). Cytogenetic location: 1q23.2.
Variant type: single nucleotide variant.
Coding change: c.346+14A>G on transcript NM_002857.4 (MANE Select); 14 bases into the intron after coding-DNA position 346, A replaced by G.
Molecular consequence: intron variant.
Genome position (GRCh38, 1-based): chr1:160,282,930, T>C on the plus strand (A>G on the coding strand, the complement: PEX19 is on the minus strand). VCF-style: chr1-160282930-T-C. GRCh37 (hg19) VCF-style: chr1-160252720-T-C.
Other names: p.?; c.346+14A>G (NM_001193644.1).
Identifiers: ClinVar variation 875126 (VCV000875126.15), dbSNP rs77156017, ClinGen allele CA1197404.
Genomic context (GRCh38, chr1:160,282,930, plus strand): 5'-GAATTCTGGTGTTTTCAGGCAACAAAGACTTAAGAGTCTGTTCAGATATTTCCATGTATC[T>C]GGGGTCTCCTCACCCACTCTCCCTGCAGCCTCTGAGAGCTTTTGGAACTGCTCCACCAGG-3'

ClinVar aggregate classification (germline): Benign/Likely benign. Review status: criteria provided, multiple submitters, no conflicts (2 of 4 stars). 5 submissions from 5 submitters: Benign (4); Likely benign (1). Last evaluated 2026-02-03.

Conditions:
Peroxisome biogenesis disorder 12A (Zellweger). Also called: Peroxisome biogenesis disorder 12A. Identifiers: Orphanet 912, MedGen C3554002, MONDO:0013951, OMIM 614886.

Allele frequency attached by ClinVar (database versions not stated): ESP Exome Variant Server 0.00046; gnomAD 0.00133 and 0.00182; gnomAD exomes 0.00182 and 0.00483; TOPMed 0.00286; ExAC 0.00434; 1000 Genomes Project 30x 0.00609; 1000 Genomes Project 0.00619.
gnomAD v4.1: 2,894 of 1,613,460 alleles (0.18%); highest among the groups gnomAD compares: East Asian, 3.8%; 43 homozygotes.

Submissions (5):

Labcorp Genetics (formerly Invitae), Labcorp
Classification: Benign for Peroxisome biogenesis disorder 12A (Zellweger). Last evaluated: 2026-02-03. Review status: criteria provided, single submitter. Criteria: Invitae Variant Classification Sherloc (09022015). Collection method: clinical testing. Allele origin: germline.

Fulgent Genetics
Classification: Likely benign for Peroxisome biogenesis disorder 12A (Zellweger). Last evaluated: 2022-02-14. Review status: criteria provided, single submitter. Criteria: ACMG Guidelines, 2015. Collection method: clinical testing. Allele origin: unknown.

Mayo Clinic Laboratories, Mayo Clinic
Classification: Benign. Last evaluated: 2020-06-10. Review status: criteria provided, single submitter. Criteria: ACMG Guidelines, 2015. Collection method: clinical testing. Allele origin: germline. Observed: 6 variant alleles.

Illumina Laboratory Services, Illumina
Classification: Benign for Peroxisome biogenesis disorder 12A (Zellweger). Last evaluated: 2017-04-27. Review status: criteria provided, single submitter. Criteria: ICSL Variant Classification Criteria 13 December 2019. Collection method: clinical testing. Allele origin: germline.
Comment: This variant was observed as part of a predisposition screen in an ostensibly healthy population. A literature search was performed for the gene, cDNA change, and amino acid change (where applicable). No publications were found based on this search. Allele frequency data from public databases was too high to be consistent with this variant causing disease. Therefore, this variant is classified as benign.

Breakthrough Genomics
Classification: Benign. Review status: criteria provided, single submitter. Criteria: ACMG Guidelines, 2015. Collection method: not provided. Allele origin: germline. Inheritance: Autosomal recessive inheritance. Affected: yes.